The following is an entry in ClinVar:

ClinVar aggregate classification (germline): Uncertain significance (1 of 4 stars; one submission).

Submission:

Women's Health and Genetics/Laboratory Corporation of America, LabCorp
Classification: Uncertain significance. Last evaluated: 2024-07-02. Review status: criteria provided, single submitter. Criteria: LabCorp Variant Classification Summary - May 2015. Collection method: clinical testing. Allele origin: germline.
Comment: Variant summary: ENAM c.1776T>A (p.His592Gln) results in a non-conservative amino acid change in the encoded protein sequence. Four of five in-silico tools predict a benign effect of the variant on protein function. The variant was absent in 251140 control chromosomes. The available data on variant occurrences in the general population are insufficient to allow any conclusion about variant significance. To our knowledge, no occurrence of c.1776T>A in individuals affected with ENAM-Related Disorders and no experimental evidence demonstrating its impact on protein function have been reported. No submitters have cited clinical-significance assessments for this variant to ClinVar. Based on the evidence outlined above, the variant was classified as uncertain significance.

NM_031889.3(ENAM):c.1776T>A (p.His592Gln)

Gene: ENAM (enamelin; plus strand). Cytogenetic location: 4q13.3.
Variant type: single nucleotide variant.
Coding change: c.1776T>A on transcript NM_031889.3 (MANE Select); coding-DNA position 1776, T replaced by A.
Protein change: p.His592Gln; replaces histidine 592 with glutamine.
Molecular consequence: missense variant.
Genome position (GRCh38, 1-based): chr4:70,643,202, T>A. VCF-style: chr4-70643202-T-A. GRCh37 (hg19) VCF-style: chr4-71508919-T-A.
Other names: c.1122T>A, p.His374Gln (NM_001368133.1); short protein forms H374Q, H592Q.
Identifiers: ClinVar variation 3339213 (VCV003339213.1).